The following is an entry in ClinVar:

NM_024301.5(FKRP):c.1468A>G (p.Ser490Gly)

Gene: FKRP (fukutin related protein; plus strand). Cytogenetic location: 19q13.32.
Variant type: single nucleotide variant.
Coding change: c.1468A>G on transcript NM_024301.5 (MANE Select); coding-DNA position 1468, A replaced by G.
Protein change: p.Ser490Gly; replaces serine 490 with glycine.
Molecular consequence: missense variant.
Genome position (GRCh38, 1-based): chr19:46,756,918, A>G. VCF-style: chr19-46756918-A-G. GRCh37 (hg19) VCF-style: chr19-47260175-A-G.
Other names: c.1468A>G, p.Ser490Gly (NM_001039885.3); short protein forms S490G.
Identifiers: ClinVar variation 1913601 (VCV001913601.5), dbSNP rs2514000693, ClinGen allele CA406497426.
Genomic context (GRCh38, chr19:46,756,918, plus strand): 5'-GAGCTCAAGTTCGGGCCCGGGGTCATCGAGAACCCCCAGTACCCCAACCCGGCACTGCTG[A>G]GTCTGACGGGAAGCGGCTGAAGCCCTGATAACCTCGCCTTTGTTTTTCGGGGGTCTGTCT-3'
Protein context (NP_077277.1, residues 480-495): NPQYPNPALL[Ser490Gly]LTGSG

ClinVar aggregate classification (germline): Uncertain significance (1 of 4 stars; one submission).

Conditions:
Walker-Warburg congenital muscular dystrophy. Also called: Muscular dystrophy-dystroglycanopathy, type A; Walker-Warburg syndrome. Identifiers: Orphanet 899, MedGen C0265221, MONDO:0000171.

Allele frequency attached by ClinVar (database versions not stated): gnomAD exomes below 0.00001.
gnomAD v4.1: 2 of 1,613,000 alleles (0.00012%); highest among the groups gnomAD compares: South Asian, 0.0022%; no homozygotes.

Submission:

Labcorp Genetics (formerly Invitae), Labcorp
Classification: Uncertain significance for Walker-Warburg congenital muscular dystrophy. Last evaluated: 2022-03-27. Review status: criteria provided, single submitter. Criteria: Invitae Variant Classification Sherloc (09022015). Collection method: clinical testing. Allele origin: germline.
Comment: In summary, the available evidence is currently insufficient to determine the role of this variant in disease. Therefore, it has been classified as a Variant of Uncertain Significance. Algorithms developed to predict the effect of missense changes on protein structure and function (SIFT, PolyPhen-2, Align-GVGD) all suggest that this variant is likely to be tolerated. This variant has not been reported in the literature in individuals affected with FKRP-related conditions. This variant is not present in population databases (gnomAD no frequency). This sequence change replaces serine, which is neutral and polar, with glycine, which is neutral and non-polar, at codon 490 of the FKRP protein (p.Ser490Gly).